The following is an entry in ClinVar:

NM_006231.4(POLE):c.1149G>A (p.Met383Ile)

Gene: POLE (DNA polymerase epsilon, catalytic subunit; minus strand). Cytogenetic location: 12q24.33.
Variant type: single nucleotide variant.
Coding change: c.1149G>A on transcript NM_006231.4 (MANE Select); coding-DNA position 1149, G replaced by A.
Protein change: p.Met383Ile; replaces methionine 383 with isoleucine.
Molecular consequence: missense variant.
Genome position (GRCh38, 1-based): chr12:132,675,475, C>T on the plus strand (G>A on the coding strand, the complement: POLE is on the minus strand). VCF-style: chr12-132675475-C-T. GRCh37 (hg19) VCF-style: chr12-133252061-C-T.
Other names: c.1149G>A (NM_006231.2); short protein forms M383I.
Identifiers: ClinVar variation 1947870 (VCV001947870.6), dbSNP rs2136009131, ClinGen allele CA387361032.

ClinVar aggregate classification (germline): Uncertain significance. Review status: criteria provided, multiple submitters, no conflicts (2 of 4 stars). 2 submissions from 2 submitters: Uncertain significance (2). Last evaluated 2025-09-06.

Conditions:
Hereditary cancer-predisposing syndrome. Also called: Hereditary neoplastic syndrome; Tumor predisposition; Hereditary Cancer Syndrome; Neoplastic Syndromes, Hereditary. Identifiers: Orphanet 140162, MedGen C0027672, MeSH D009386, MONDO:0015356.

Submissions (2):

Ambry Genetics
Classification: Uncertain significance for Hereditary cancer-predisposing syndrome. Last evaluated: 2025-09-06. Review status: criteria provided, single submitter. Criteria: Ambry Variant Classification Scheme 2023. Collection method: clinical testing. Allele origin: germline.
Comment: The p.M383I variant (also known as c.1149G>A), located in coding exon 12 of the POLE gene, results from a G to A substitution at nucleotide position 1149. The methionine at codon 383 is replaced by isoleucine, an amino acid with highly similar properties. This amino acid position is conserved. In addition, the in silico prediction for this alteration is inconclusive. Based on the available evidence, the clinical significance of this variant remains unclear.

Labcorp Genetics (formerly Invitae), Labcorp
Classification: Uncertain significance. Last evaluated: 2022-08-02. Review status: criteria provided, single submitter. Criteria: Invitae Variant Classification Sherloc (09022015). Collection method: clinical testing. Allele origin: germline.
Comment: This variant has not been reported in the literature in individuals affected with POLE-related conditions. This sequence change replaces methionine, which is neutral and non-polar, with isoleucine, which is neutral and non-polar, at codon 383 of the POLE protein (p.Met383Ile). This variant is not present in population databases (gnomAD no frequency). Algorithms developed to predict the effect of missense changes on protein structure and function are either unavailable or do not agree on the potential impact of this missense change (SIFT: "Deleterious"; PolyPhen-2: "Probably Damaging"; Align-GVGD: "Class C0"). In summary, the available evidence is currently insufficient to determine the role of this variant in disease. Therefore, it has been classified as a Variant of Uncertain Significance.